The following is an entry in ClinVar:

ClinVar aggregate classification (germline): Likely benign (1 of 4 stars; one submission).

gnomAD v4.1: 1 of 1,604,156 alleles (0.000062%); highest among the groups gnomAD compares: Non-Finnish European, 0.000085%; no homozygotes.

Submission:

CeGaT Center for Human Genetics Tuebingen
Classification: Likely benign. Last evaluated: 2026-06-01. Review status: criteria provided, single submitter. Criteria: CeGaT Center For Human Genetics Tuebingen Variant Classification Criteria Version 2. Collection method: clinical testing. Allele origin: germline. Affected: yes. Observed: 1 variant allele.
Comment: VPS13A: BP4, BP7

NM_033305.3(VPS13A):c.9189+2572T>C

Gene: VPS13A (vacuolar protein sorting 13 homolog A; plus strand). Cytogenetic location: 9q21.2.
Variant type: single nucleotide variant.
Coding change: c.9189+2572T>C on transcript NM_033305.3 (MANE Select); 2572 bases into the intron after coding-DNA position 9189, T replaced by C.
Molecular consequence: intron variant. On other transcripts: synonymous variant (1).
Genome position (GRCh38, 1-based): chr9:77,384,659, T>C. VCF-style: chr9-77384659-T-C. GRCh37 (hg19) VCF-style: chr9-79999575-T-C.
Other names: c.9264T>C, p.Asp3088= (NM_015186.4); c.9072+2572T>C (NM_001018037.2).
Identifiers: ClinVar variation 4873936 (VCV004873936.2).
Genomic context (GRCh38, chr9:77,384,659, plus strand): 5'-CAGGGAGTGGATTATGACTCACAGTAGCAGTAGTGATGATGATGATGATGATGATGATGA[T>C]GATGAGTCAGATCTAAACCATTAAAATTCATATGTTCTTTATTTTACTTGGAATGTTTCA-3'